The following is an entry in ClinVar:

ClinVar aggregate classification (germline): Pathogenic (1 of 4 stars; one submission).

Conditions:
Leber congenital amaurosis 12 (LCA12). Identifiers: Orphanet 65, MedGen C1857743, MONDO:0012525, OMIM 610612.

Submission:

Labcorp Genetics (formerly Invitae), Labcorp
Classification: Pathogenic for Leber congenital amaurosis 12. Last evaluated: 2023-08-10. Review status: criteria provided, single submitter. Criteria: Invitae Variant Classification Sherloc (09022015). Collection method: clinical testing. Allele origin: germline.
Comment: For these reasons, this variant has been classified as Pathogenic. This variant has not been reported in the literature in individuals affected with RD3-related conditions. A gross deletion of the genomic region encompassing the full coding sequence of the RD3 gene has been identified. Loss-of-function variants in RD3 are known to be pathogenic (PMID: 23308101). The boundaries of this event are unknown as they extend beyond the assayed region for this gene and therefore may encompass additional genes.

Literature cited by the submitters: PubMed 23308101.

NC_000001.10:g.(?_211652378)_(211654757_?)del

Gene: RD3 (RD3 regulator of GUCY2D; minus strand). Cytogenetic location: 1q32.3.
Variant type: Deletion.
Identifiers: ClinVar variation 2427618 (VCV002427618.4).